The following is an entry in ClinVar:

NM_000260.4(MYO7A):c.3674dup (p.Tyr1226fs)

Gene: MYO7A (myosin VIIA; plus strand). Cytogenetic location: 11q13.5.
Variant type: Duplication.
Coding change: c.3674dup on transcript NM_000260.4 (MANE Select); coding-DNA position 3674, one base duplicated (C; older notation c.3674dupC).
Protein change: p.Tyr1226fs; shifts the reading frame from tyrosine 1226.
Molecular consequence: frameshift variant.
Genome position (GRCh38, 1-based): chr11:77,190,063, C duplicated; the last of 4 consecutive C bases (chr11:77,190,060-77,190,063); duplicating any one gives the same sequence. VCF-style (leftmost placement, unchanged base first): chr11-77190059-G-GC. GRCh37 (hg19) VCF-style: chr11-76901104-G-GC.
Other names: c.3674dup, p.Tyr1226fs (NM_001127180.2); c.3641dup, p.Tyr1215fs (NM_001369365.1); short protein forms Y1226fs, Y1215fs.
Identifiers: ClinVar variation 5004382 (VCV005004382.1).

ClinVar aggregate classification (germline): Pathogenic (1 of 4 stars; one submission).

Conditions:
Usher syndrome type 1 (USH1). Also called: RETINITIS PIGMENTOSA AND CONGENITAL DEAFNESS. Identifiers: Orphanet 231169, Orphanet 886, MedGen C1568247, MONDO:0010168, OMIM 276900.

Submission:

Myriad Genetics, Inc.
Classification: Pathogenic for Usher syndrome type 1. Last evaluated: 2026-01-13. Review status: criteria provided, single submitter. Criteria: Myriad Autosomal Dominant, Autosomal Recessive and X-Linked Classification Criteria (2023). Collection method: clinical testing. Allele origin: unknown.
Comment: NM_000260.3(MYO7A):c.3674dupC(Y1226Vfs*3) is a frameshift variant classified as pathogenic in the context of MYO7A-related disorders. Y1226Vfs*3 has not been observed in cases with relevant disease. Relevant functional assessments of this variant are not available in the literature. Y1226Vfs*3 has not been observed in referenced population frequency databases. In summary, NM_000260.3(MYO7A):c.3674dupC(Y1226Vfs*3) is a frameshift variant in a gene where loss of function is a known mechanism of disease and is predicted to disrupt protein function. Please note: this variant was assessed in the context of healthy population screening.